The following is an entry in ClinVar:

ClinVar aggregate classification (germline): Benign/Likely benign. Review status: criteria provided, multiple submitters, no conflicts (2 of 4 stars). 7 submissions from 7 submitters: Benign (1); Likely benign (6). Last evaluated 2024-12-30.

Conditions:
Lynch syndrome 5 (LYNCH5). Also called: Colorectal cancer, hereditary nonpolyposis, type 5; Hereditary non-polyposis colorectal cancer, type 5. Identifiers: Orphanet 144, MedGen C1833477, MONDO:0013710, OMIM 614350. Disease mechanism: loss of function.
Hereditary nonpolyposis colorectal neoplasms. Identifiers: MedGen C0009405, MeSH D003123.
Hereditary cancer-predisposing syndrome. Also called: Tumor predisposition; Hereditary Cancer Syndrome; Neoplastic Syndromes, Hereditary; Hereditary neoplastic syndrome. Identifiers: Orphanet 140162, MedGen C0027672, MeSH D009386, MONDO:0015356.

Allele frequency attached by ClinVar (database versions not stated): gnomAD exomes 0.00001; ExAC 0.00002.

Submissions (7):

Myriad Genetics, Inc.
Classification: Benign for Lynch syndrome 5. Last evaluated: 2024-12-30. Review status: criteria provided, single submitter. Criteria: Myriad Autosomal Dominant, Autosomal Recessive and X-Linked Classification Criteria (2023). Collection method: clinical testing. Allele origin: unknown.
Comment: This variant is considered benign. This variant is a silent/synonymous amino acid change and it is not expected to impact splicing.

Labcorp Genetics (formerly Invitae), Labcorp
Classification: Likely benign for Hereditary nonpolyposis colorectal neoplasms. Last evaluated: 2024-02-17. Review status: criteria provided, single submitter. Criteria: Invitae Variant Classification Sherloc (09022015). Collection method: clinical testing. Allele origin: germline.

Blueprint Genetics
Classification: Likely benign. Last evaluated: 2022-07-25. Review status: criteria provided, single submitter. Criteria: ACMG Guidelines, 2015. Collection method: clinical testing. Allele origin: germline.

Sema4
Classification: Likely benign for Hereditary cancer-predisposing syndrome. Last evaluated: 2022-02-17. Review status: criteria provided, single submitter. Criteria: Sema4 Curation Guidelines. Collection method: curation. Allele origin: germline.

GeneDx
Classification: Likely benign. Last evaluated: 2019-12-26. Review status: criteria provided, single submitter. Criteria: GeneDx Variant Classification Process June 2021. Collection method: clinical testing. Allele origin: germline. Affected: yes.

Ambry Genetics
Classification: Likely benign for Hereditary cancer-predisposing syndrome. Last evaluated: 2016-11-02. Review status: criteria provided, single submitter. Criteria: Ambry Variant Classification Scheme 2023. Collection method: clinical testing. Allele origin: germline.

Color Diagnostics, LLC DBA Color Health
Classification: Likely benign for Hereditary cancer-predisposing syndrome. Last evaluated: 2015-07-21. Review status: criteria provided, single submitter. Criteria: ACMG Guidelines, 2015. Collection method: clinical testing. Allele origin: germline.

NM_000179.3(MSH6):c.1878G>A (p.Gln626=)

Gene: MSH6 (mutS homolog 6; plus strand). Cytogenetic location: 2p16.3.
Variant type: single nucleotide variant.
Coding change: c.1878G>A on transcript NM_000179.3 (MANE Select); coding-DNA position 1878, G replaced by A.
Protein change: p.Gln626=; no amino-acid change (glutamine 626 retained).
Molecular consequence: synonymous variant.
Genome position (GRCh38, 1-based): chr2:47,799,861, G>A. VCF-style: chr2-47799861-G-A. GRCh37 (hg19) VCF-style: chr2-48027000-G-A.
Other names: c.1488G>A, p.Gln496= (NM_001281492.2); c.972G>A, p.Gln324= (NM_001281493.2, NM_001281494.2).
Identifiers: ClinVar variation 479935 (VCV000479935.20), dbSNP rs767285340, ClinGen allele CA068238.